The following is an entry in ClinVar:

NM_000038.6(APC):c.7218T>C (p.Asn2406=)

Gene: APC (APC regulator of Wnt signaling pathway; plus strand). Cytogenetic location: 5q22.2.
Variant type: single nucleotide variant.
Coding change: c.7218T>C on transcript NM_000038.6 (MANE Select); coding-DNA position 7218, T replaced by C.
Protein change: p.Asn2406=; no amino-acid change (asparagine 2406 retained).
Molecular consequence: synonymous variant.
Genome position (GRCh38, 1-based): chr5:112,842,812, T>C. VCF-style: chr5-112842812-T-C. GRCh37 (hg19) VCF-style: chr5-112178509-T-C.
Other names: c.7218T>C, p.Asn2406= (NM_001127510.3, NM_001354895.2); c.7164T>C, p.Asn2388= (NM_001127511.3); c.7272T>C, p.Asn2424= (NM_001354896.2); c.7248T>C, p.Asn2416= (NM_001354897.2); c.7143T>C, p.Asn2381= (NM_001354898.2); c.7134T>C, p.Asn2378= (NM_001354899.2); c.7095T>C, p.Asn2365= (NM_001354900.2); c.7041T>C, p.Asn2347= (NM_001354901.2); and 5 more.
Identifiers: ClinVar variation 1161727 (VCV001161727.13), dbSNP rs1394893993, ClinGen allele CA446210200.

ClinVar aggregate classification (germline): Benign/Likely benign. Review status: criteria provided, multiple submitters, no conflicts (2 of 4 stars). 3 submissions from 3 submitters: Benign (1); Likely benign (2). Last evaluated 2026-01-28.

Conditions:
Familial adenomatous polyposis 1 (FAP1). Also called: POLYPOSIS, ADENOMATOUS INTESTINAL; FAMILIAL ADENOMATOUS POLYPOSIS 1, ATTENUATED. Identifiers: MedGen C2713442, MONDO:0021056, OMIM 175100. Disease mechanism: loss of function.
Hereditary cancer-predisposing syndrome. Also called: Tumor predisposition; Neoplastic Syndromes, Hereditary; Hereditary Cancer Syndrome; Hereditary neoplastic syndrome. Identifiers: Orphanet 140162, MedGen C0027672, MeSH D009386, MONDO:0015356.

Allele frequency attached by ClinVar (database versions not stated): gnomAD exomes below 0.00001 and 0.00001.

Submissions (3):

Labcorp Genetics (formerly Invitae), Labcorp
Classification: Likely benign for Familial adenomatous polyposis 1. Last evaluated: 2026-01-28. Review status: criteria provided, single submitter. Criteria: Invitae Variant Classification Sherloc (09022015). Collection method: clinical testing. Allele origin: germline.

Myriad Genetics, Inc.
Classification: Benign for Familial adenomatous polyposis 1. Last evaluated: 2024-04-09. Review status: criteria provided, single submitter. Criteria: Myriad Autosomal Dominant, Autosomal Recessive and X-Linked Classification Criteria (2023). Collection method: clinical testing. Allele origin: unknown.
Comment: This variant is considered benign. This variant is a silent/synonymous amino acid change and it is not expected to impact splicing.

Ambry Genetics
Classification: Likely benign for Hereditary cancer-predisposing syndrome. Last evaluated: 2020-05-04. Review status: criteria provided, single submitter. Criteria: Ambry Variant Classification Scheme 2023. Collection method: clinical testing. Allele origin: germline.